The following is an entry in ClinVar:

NM_000238.4(KCNH2):c.2399-3C>T

Gene: KCNH2 (potassium voltage-gated channel subfamily H member 2; minus strand). Cytogenetic location: 7q36.1.
Variant type: single nucleotide variant.
Coding change: c.2399-3C>T on transcript NM_000238.4 (MANE Select); 3 bases into the intron before coding-DNA position 2399, C replaced by T.
Molecular consequence: intron variant.
Genome position (GRCh38, 1-based): chr7:150,949,052, G>A on the plus strand (C>T on the coding strand, the complement: KCNH2 is on the minus strand). VCF-style: chr7-150949052-G-A. GRCh37 (hg19) VCF-style: chr7-150646140-G-A.
Other names: c.1379-3C>T (NM_172057.3).
Identifiers: ClinVar variation 642017 (VCV000642017.11), dbSNP rs760014551, ClinGen allele CA032475.

ClinVar aggregate classification (germline): Uncertain significance. Review status: criteria provided, multiple submitters, no conflicts (2 of 4 stars). 2 submissions from 2 submitters: Uncertain significance (2). Last evaluated 2025-11-10.

Conditions:
Cardiovascular phenotype. Identifiers: MedGen CN230736.
Long QT syndrome (LQTS). Identifiers: MedGen C0023976, MeSH D008133, MONDO:0002442. Disease mechanism: loss of function. Inheritance: Various modes of inheritance.

Allele frequency attached by ClinVar (database versions not stated): gnomAD exomes below 0.00001 and 0.00002; TOPMed below 0.00001; gnomAD 0.00001; ExAC 0.00003.
gnomAD v4.1: 3 of 1,613,608 alleles (0.00019%); highest among the groups gnomAD compares: East Asian, 0.0045%; no homozygotes.

Submissions (2):

Labcorp Genetics (formerly Invitae), Labcorp
Classification: Uncertain significance for Long QT syndrome. Last evaluated: 2025-11-10. Review status: criteria provided, single submitter. Criteria: Invitae Variant Classification Sherloc (09022015). Collection method: clinical testing. Allele origin: germline.
Comment: This sequence change falls in intron 9 of the KCNH2 gene. It does not directly change the encoded amino acid sequence of the KCNH2 protein. It affects a nucleotide within the consensus splice site. This variant is present in population databases (rs760014551, gnomAD 0.02%). This variant has not been reported in the literature in individuals affected with KCNH2-related conditions. ClinVar contains an entry for this variant (Variation ID: 642017). Variants that disrupt the consensus splice site are a relatively common cause of aberrant splicing (PMID: 17576681, 9536098). Algorithms developed to predict the effect of sequence changes on RNA splicing suggest that this variant is not likely to affect RNA splicing. In summary, the available evidence is currently insufficient to determine the role of this variant in disease. Therefore, it has been classified as a Variant of Uncertain Significance.

Ambry Genetics
Classification: Uncertain significance for Cardiovascular phenotype. Last evaluated: 2024-12-14. Review status: criteria provided, single submitter. Criteria: Ambry Variant Classification Scheme 2023. Collection method: clinical testing. Allele origin: germline.
Comment: The c.2399-3C>T intronic variant results from a C to T substitution 3 nucleotides upstream from coding exon 10 in the KCNH2 gene. This nucleotide position is well conserved in available vertebrate species. In silico splice site analysis predicts that this alteration will not have any significant effect on splicing. Based on the available evidence, the clinical significance of this variant remains unclear.

Literature cited by the submitters: PubMed 17576681 (cited by Labcorp Genetics (formerly Invitae), Labcorp); PubMed 9536098 (cited by Labcorp Genetics (formerly Invitae), Labcorp).